The following is an entry in ClinVar:

NM_001277115.2(DNAH11):c.2835A>G (p.Gln945=)

Gene: DNAH11 (dynein axonemal heavy chain 11; plus strand). Cytogenetic location: 7p15.3.
Variant type: single nucleotide variant.
Coding change: c.2835A>G on transcript NM_001277115.2 (MANE Select); coding-DNA position 2835, A replaced by G.
Protein change: p.Gln945=; no amino-acid change (glutamine 945 retained).
Molecular consequence: synonymous variant.
Genome position (GRCh38, 1-based): chr7:21,599,954, A>G. VCF-style: chr7-21599954-A-G. GRCh37 (hg19) VCF-style: chr7-21639572-A-G.
Other names: p.Gln945=.
Identifiers: ClinVar variation 93685 (VCV000093685.30), dbSNP rs17144747, ClinGen allele CA147207.

ClinVar aggregate classification (germline): Benign/Likely benign. Review status: criteria provided, multiple submitters, no conflicts (2 of 4 stars). 8 submissions from 8 submitters: Benign (6); Likely benign (2). Last evaluated 2026-02-04.

Conditions:
Primary ciliary dyskinesia. Also called: Ciliary dyskinesia. Identifiers: Orphanet 244, MedGen C0008780, MONDO:0016575, HP:0012265.

Allele frequency attached by ClinVar (database versions not stated): ExAC 0.05036; 1000 Genomes Project 0.07588; 1000 Genomes Project 30x 0.08042; gnomAD exomes 0.04694 and 0.04653; gnomAD 0.07116 and 0.06943; ESP Exome Variant Server 0.06831; TOPMed 0.07223.
gnomAD v4.1: 78,836 of 1,613,536 alleles (4.9%); highest among the groups gnomAD compares: African/African-American, 14%; 2,471 homozygotes.

Submissions (14):

Labcorp Genetics (formerly Invitae), Labcorp
Classification: Benign for Primary ciliary dyskinesia. Last evaluated: 2026-02-04. Review status: criteria provided, single submitter. Criteria: Invitae Variant Classification Sherloc (09022015). Collection method: clinical testing. Allele origin: germline.

Blueprint Genetics
Classification: Likely benign. Last evaluated: 2024-11-27. Review status: criteria provided, single submitter. Criteria: ACMG Guidelines, 2015. Collection method: clinical testing. Allele origin: germline.

Mayo Clinic Laboratories, Mayo Clinic
Classification: Benign. Last evaluated: 2022-04-26. Review status: criteria provided, single submitter. Criteria: ACMG Guidelines, 2015. Collection method: clinical testing. Allele origin: germline. Observed: 19 variant alleles.

GeneDx
Classification: Benign. Last evaluated: 2018-12-31. Review status: criteria provided, single submitter. Criteria: GeneDx Variant Classification Process June 2021. Collection method: clinical testing. Allele origin: germline. Affected: yes.

Eurofins Ntd Llc (ga)
Classification: Benign. Last evaluated: 2015-03-05. Review status: criteria provided, single submitter. Criteria: EGL Classification Definitions 2015. Collection method: clinical testing. Allele origin: germline. Observed: 2 variant alleles, 2 heterozygotes.

Laboratory for Molecular Medicine, Mass General Brigham Personalized Medicine
Classification: Benign. Last evaluated: 2013-02-21. Review status: criteria provided, single submitter. Criteria: LMM Criteria. Collection method: clinical testing. Allele origin: germline. Observed: 12 variant alleles.
Comment: Gln945Gln in exon 15 of DNAH11: This variant is not expected to have clinical si gnificance because it does not alter an amino acid residue and is not located wi thin the splice consensus sequence. It has been identified in 12.2% (449/3690) o f African American chromosomes from a broad population by the NHLBI Exome Sequen cing Project (dbSNP rs17144747).

Breakthrough Genomics
Classification: Likely benign. Review status: criteria provided, single submitter. Criteria: ACMG Guidelines, 2015. Collection method: not provided. Allele origin: germline. Inheritance: Autosomal recessive inheritance. Affected: yes.

PreventionGenetics, part of Exact Sciences
Classification: Benign. Review status: criteria provided, single submitter. Criteria: ACMG Guidelines, 2015. Collection method: clinical testing. Allele origin: germline.

Dr. Peter K. Rogan Lab, Western University
No classification provided (evidence only). Condition: Acute myeloid leukemia. Review status: no classification provided. Collection method: in vitro. Allele origin: not applicable. Functional consequence: retained intron. Not counted in ClinVar's aggregate classification.

Dr. Peter K. Rogan Lab, Western University
No classification provided (evidence only). Condition: Acute myeloid leukemia. Review status: no classification provided. Collection method: in vitro. Allele origin: not applicable. Functional consequence: retained intron. Not counted in ClinVar's aggregate classification.

Dr. Peter K. Rogan Lab, Western University
No classification provided (evidence only). Condition: Acute myeloid leukemia. Review status: no classification provided. Collection method: in vitro. Allele origin: not applicable. Functional consequence: retained intron. Not counted in ClinVar's aggregate classification.

Dr. Peter K. Rogan Lab, Western University
No classification provided (evidence only). Condition: Nonpapillary renal cell carcinoma. Review status: no classification provided. Collection method: in vitro. Allele origin: not applicable. Functional consequence: retained intron. Not counted in ClinVar's aggregate classification.

Dr. Peter K. Rogan Lab, Western University
No classification provided (evidence only). Condition: Adrenocortical carcinoma, hereditary. Review status: no classification provided. Collection method: in vitro. Allele origin: not applicable. Functional consequence: retained intron. Not counted in ClinVar's aggregate classification.

Dr. Peter K. Rogan Lab, Western University
No classification provided (evidence only). Condition: Adrenocortical carcinoma, hereditary. Review status: no classification provided. Collection method: in vitro. Allele origin: not applicable. Functional consequence: retained intron. Not counted in ClinVar's aggregate classification.